The following is an entry in ClinVar:

ClinVar aggregate classification (germline): Uncertain significance. Review status: criteria provided, multiple submitters, no conflicts (2 of 4 stars). 4 submissions from 4 submitters: Uncertain significance (4). Last evaluated 2026-01-11.

Conditions:
Familial cancer of breast. Also called: Hereditary breast cancer; hereditary breast carcinoma; BREAST CANCER, FAMILIAL. Identifiers: Orphanet 227535, MedGen C0346153, MONDO:0016419, OMIM 114480. Disease mechanism: loss of function.
Hereditary cancer-predisposing syndrome. Also called: Hereditary neoplastic syndrome; Tumor predisposition; Hereditary Cancer Syndrome; Neoplastic Syndromes, Hereditary. Identifiers: Orphanet 140162, MedGen C0027672, MeSH D009386, MONDO:0015356.

Allele frequency attached by ClinVar (database versions not stated): TOPMed below 0.00001.
gnomAD v4.1: 1 of 1,614,204 alleles (0.000062%); highest among the groups gnomAD compares: Non-Finnish European, 0.000085%; no homozygotes.

Submissions (4):

Labcorp Genetics (formerly Invitae), Labcorp
Classification: Uncertain significance for Familial cancer of breast. Last evaluated: 2026-01-11. Review status: criteria provided, single submitter. Criteria: Invitae Variant Classification Sherloc (09022015). Collection method: clinical testing. Allele origin: germline.
Comment: This sequence change replaces glutamine, which is neutral and polar, with histidine, which is basic and polar, at codon 822 of the PALB2 protein (p.Gln822His). This variant is not present in population databases (gnomAD no frequency). This variant has not been reported in the literature in individuals affected with PALB2-related conditions. ClinVar contains an entry for this variant (Variation ID: 492185). Invitae Evidence Modeling of protein sequence and biophysical properties (such as structural, functional, and spatial information, amino acid conservation, physicochemical variation, residue mobility, and thermodynamic stability) indicates that this missense variant is expected to disrupt PALB2 protein function with a positive predictive value of 80%. In summary, the available evidence is currently insufficient to determine the role of this variant in disease. Therefore, it has been classified as a Variant of Uncertain Significance.

Ambry Genetics
Classification: Uncertain significance for Hereditary cancer-predisposing syndrome. Last evaluated: 2024-10-29. Review status: criteria provided, single submitter. Criteria: Ambry Variant Classification Scheme 2023. Collection method: clinical testing. Allele origin: germline.
Comment: The p.Q822H variant (also known as c.2466G>T), located in coding exon 5 of the PALB2 gene, results from a G to T substitution at nucleotide position 2466. The glutamine at codon 822 is replaced by histidine, an amino acid with highly similar properties. This amino acid position is conserved. In addition, this alteration is predicted to be tolerated by in silico analysis. Since supporting evidence is limited at this time, the clinical significance of this alteration remains unclear.

Color Diagnostics, LLC DBA Color Health
Classification: Uncertain significance for Hereditary cancer-predisposing syndrome. Last evaluated: 2024-03-06. Review status: criteria provided, single submitter. Criteria: ACMG Guidelines, 2015. Collection method: clinical testing. Allele origin: germline.
Comment: This missense variant replaces glutamine with histidine at codon 822 of the PALB2 protein. Computational prediction is inconclusive regarding the impact of this variant on protein structure and function (internally defined REVEL score threshold 0.5 < inconclusive < 0.7, PMID: 27666373). To our knowledge, functional studies have not been reported for this variant. This variant has not been reported in individuals affected with hereditary cancer in the literature. This variant has not been identified in the general population by the Genome Aggregation Database (gnomAD). The available evidence is insufficient to determine the role of this variant in disease conclusively. Therefore, this variant is classified as a Variant of Uncertain Significance.

Mendelics
Classification: Uncertain significance. Last evaluated: 2022-05-04. Review status: criteria provided, single submitter. Criteria: Mendelics Assertion Criteria 2019. Collection method: clinical testing. Allele origin: germline.

NM_024675.4(PALB2):c.2466G>T (p.Gln822His)

Gene: PALB2 (partner and localizer of BRCA2; minus strand). Cytogenetic location: 16p12.2.
Variant type: single nucleotide variant.
Coding change: c.2466G>T on transcript NM_024675.4 (MANE Select); coding-DNA position 2466, G replaced by T.
Protein change: p.Gln822His; replaces glutamine 822 with histidine.
Molecular consequence: missense variant.
Genome position (GRCh38, 1-based): chr16:23,629,688, C>A on the plus strand (G>T on the coding strand, the complement: PALB2 is on the minus strand). VCF-style: chr16-23629688-C-A. GRCh37 (hg19) VCF-style: chr16-23641009-C-A.
Other names: short protein forms Q822H.
Identifiers: ClinVar variation 492185 (VCV000492185.22), dbSNP rs1157451265, ClinGen allele CA395124094.